The following is an entry in ClinVar:

ClinVar aggregate classification (germline): Likely benign (1 of 4 stars; one submission).

Allele frequency attached by ClinVar (database versions not stated): gnomAD exomes 0.00114; 1000 Genomes Project 0.00859; 1000 Genomes Project 30x 0.00890.
gnomAD v4.1: 2,290 of 820,998 alleles (0.28%); highest among the groups gnomAD compares: African/African-American, 3.2%; 36 homozygotes.

Submission:

GeneDx
Classification: Likely benign. Last evaluated: 2018-12-31. Review status: criteria provided, single submitter. Criteria: GeneDx Variant Classification Process June 2021. Collection method: clinical testing. Allele origin: germline. Affected: yes.
Comment: See Variant Classification Assertion Criteria.

NM_000528.4(MAN2B1):c.2665-119C>A

Gene: MAN2B1 (mannosidase alpha class 2B member 1; minus strand). Cytogenetic location: 19p13.13.
Variant type: single nucleotide variant.
Coding change: c.2665-119C>A on transcript NM_000528.4 (MANE Select); 119 bases into the intron before coding-DNA position 2665, C replaced by A.
Molecular consequence: intron variant.
Genome position (GRCh38, 1-based): chr19:12,647,717, G>T on the plus strand (C>A on the coding strand, the complement: MAN2B1 is on the minus strand). VCF-style: chr19-12647717-G-T. GRCh37 (hg19) VCF-style: chr19-12758531-G-T.
Other names: c.2662-119C>A (NM_001173498.2).
Identifiers: ClinVar variation 1707209 (VCV001707209.2), dbSNP rs150184949, ClinGen allele CA305460556.
Genomic context (GRCh38, chr19:12,647,717, plus strand): 5'-GGGGCCGAGCCAGGTCAGGAGGCAGGGCTAGGTTGTAGGGGCGGGGTTTCGCCGGAGAGG[G>T]GCAAGGCTCAGCCGAGAGGAGCGGCCAGGGCCGTGACAGGGAGGACTGAGCCAATGGGGA-3'